The following is an entry in ClinVar:

NM_001367624.2(ZNF469):c.338A>G (p.Glu113Gly)

Gene: ZNF469 (zinc finger protein 469; plus strand). Cytogenetic location: 16q24.2.
Variant type: single nucleotide variant.
Coding change: c.338A>G on transcript NM_001367624.2 (MANE Select); coding-DNA position 338, A replaced by G.
Protein change: p.Glu113Gly; replaces glutamic acid 113 with glycine.
Molecular consequence: missense variant.
Genome position (GRCh38, 1-based): chr16:88,427,808, A>G. VCF-style: chr16-88427808-A-G. GRCh37 (hg19) VCF-style: chr16-88494216-A-G.
Other names: NM_001127464.1:c.338A>G; short protein forms E113G.
Identifiers: ClinVar variation 3232790 (VCV003232790.1), dbSNP rs1905791506, ClinGen allele CA397059176.

ClinVar aggregate classification (germline): Uncertain significance (1 of 4 stars; one submission).

Conditions:
Cardiovascular phenotype. Identifiers: MedGen CN230736.

Allele frequency attached by ClinVar (database versions not stated): gnomAD exomes below 0.00001; TOPMed below 0.00001.
gnomAD v4.1: 2 of 1,548,068 alleles (0.00013%); highest among the groups gnomAD compares: Admixed American, 0.0039%; no homozygotes.

Submission:

Ambry Genetics
Classification: Uncertain significance for Cardiovascular phenotype. Last evaluated: 2024-02-16. Review status: criteria provided, single submitter. Criteria: Ambry Variant Classification Scheme 2023. Collection method: clinical testing. Allele origin: germline.
Comment: The p.E113G variant (also known as c.338A>G), located in coding exon 1 of the ZNF469 gene, results from an A to G substitution at nucleotide position 338. The glutamic acid at codon 113 is replaced by glycine, an amino acid with similar properties. This amino acid position is conserved. In addition, this alteration is predicted to be tolerated by in silico analysis. Based on the available evidence, the clinical significance of this alteration remains unclear.